The following is an entry in ClinVar:

NM_000018.4(ACADVL):c.753-27C>T

Gene: ACADVL (acyl-CoA dehydrogenase very long chain; plus strand). Cytogenetic location: 17p13.1.
Variant type: single nucleotide variant.
Coding change: c.753-27C>T on transcript NM_000018.4 (MANE Select); 27 bases into the intron before coding-DNA position 753, C replaced by T.
Molecular consequence: intron variant.
Genome position (GRCh38, 1-based): chr17:7,222,150, C>T. VCF-style: chr17-7222150-C-T. GRCh37 (hg19) VCF-style: chr17-7125469-C-T.
Other names: c.822-27C>T (NM_001270447.2); c.525-27C>T (NM_001270448.2); c.687-27C>T (NM_001033859.3).
Identifiers: ClinVar variation 474903 (VCV000474903.44), dbSNP rs374911841, ClinGen allele CA8337840.

ClinVar aggregate classification (germline): Conflicting classifications of pathogenicity. Review status: criteria provided, conflicting classifications (1 of 4 stars). 7 submissions from 7 submitters: Uncertain significance (1); Benign (1); Likely benign (3). 2 of the submissions do not count toward it. Last evaluated 2025-12-01.

Conditions:
Very long chain acyl-CoA dehydrogenase deficiency (ACADVLD). Also called: Very Long-Chain Acyl-Coenzyme A Dehydrogenase Deficiency; VLCAD Deficiency. Identifiers: Orphanet 26793, MedGen C3887523, MONDO:0008723, OMIM 201475.
ACADVL-related disorder. Also called: ACADVL-related condition.

Allele frequency attached by ClinVar (database versions not stated): 1000 Genomes Project 30x 0.00016; 1000 Genomes Project 0.00020; TOPMed 0.00206; ESP Exome Variant Server 0.00300.

Submissions (7):

CeGaT Center for Human Genetics Tuebingen
Classification: Likely benign. Last evaluated: 2025-12-01. Review status: criteria provided, single submitter. Criteria: CeGaT Center For Human Genetics Tuebingen Variant Classification Criteria Version 2. Collection method: clinical testing. Allele origin: germline. Affected: yes. Observed: 2 variant alleles.
Comment: ACADVL: BS2

Blueprint Genetics
Classification: Likely benign. Last evaluated: 2024-11-26. Review status: criteria provided, single submitter. Criteria: ACMG Guidelines, 2015. Collection method: clinical testing. Allele origin: germline.

Labcorp Genetics (formerly Invitae), Labcorp
Classification: Benign for Very long chain acyl-CoA dehydrogenase deficiency. Last evaluated: 2024-02-17. Review status: criteria provided, single submitter. Criteria: Invitae Variant Classification Sherloc (09022015). Collection method: clinical testing. Allele origin: germline.

Wong Mito Lab, Molecular and Human Genetics, Baylor College of Medicine
Classification: Uncertain significance for Very long chain acyl-CoA dehydrogenase deficiency. Last evaluated: 2019-11-01. Review status: criteria provided, single submitter. Criteria: ACMG Guidelines, 2015. Collection method: clinical testing. Allele origin: germline.
Comment: The NM_000018.3:c.753-27C>T (NP_000009.1:p.?) [GRCH38: NC_000017.11:g.7222150C>T] variant in ACADVL gene is interpretated to be Uncertain Significance based on ACMG guidelines (PMID: 25741868). This variant has been reported. This variant dose not meet any evidence codes reported in the ACMG guidelines.

GeneDx
Classification: Likely benign. Last evaluated: 2018-01-03. Review status: criteria provided, single submitter. Criteria: GeneDx Variant Classification (06012015). Collection method: clinical testing. Allele origin: germline. Affected: yes.
Comment: This variant is considered likely benign or benign based on one or more of the following criteria: it is a conservative change, it occurs at a poorly conserved position in the protein, it is predicted to be benign by multiple in silico algorithms, and/or has population frequency not consistent with disease.

PreventionGenetics, part of Exact Sciences
Classification: Likely benign for ACADVL-related condition. Last evaluated: 2020-09-23. Review status: no assertion criteria provided. Collection method: clinical testing. Allele origin: germline. Not counted in ClinVar's aggregate classification.
Comment: This variant is classified as likely benign based on ACMG/AMP sequence variant interpretation guidelines (Richards et al. 2015 PMID: 25741868, with internal and published modifications).

Natera, Inc.
Classification: Uncertain significance for Very long chain acyl-CoA dehydrogenase deficiency. Last evaluated: 2020-05-05. Review status: no assertion criteria provided. Collection method: clinical testing. Allele origin: germline. Not counted in ClinVar's aggregate classification.